The following is an entry in ClinVar:

ClinVar aggregate classification (germline): Uncertain significance. Review status: criteria provided, multiple submitters, no conflicts (2 of 4 stars). 4 submissions from 4 submitters: Uncertain significance (4). Last evaluated 2025-08-13.

Conditions:
Inborn genetic diseases. Identifiers: MedGen C0950123, MeSH D030342.
Leber congenital amaurosis 12 (LCA12). Identifiers: Orphanet 65, MedGen C1857743, MONDO:0012525, OMIM 610612.

Allele frequency attached by ClinVar (database versions not stated): gnomAD 0.00001; TOPMed 0.00002.

Submissions (4):

Ambry Genetics
Classification: Uncertain significance for Inborn genetic diseases. Last evaluated: 2025-08-13. Review status: criteria provided, single submitter. Criteria: Ambry Variant Classification Scheme 2023. Collection method: clinical testing. Allele origin: germline.

Blueprint Genetics
Classification: Uncertain significance. Last evaluated: 2022-09-27. Review status: criteria provided, single submitter. Criteria: ACMG Guidelines, 2015. Collection method: clinical testing. Allele origin: germline.

Labcorp Genetics (formerly Invitae), Labcorp
Classification: Uncertain significance for Leber congenital amaurosis 12. Last evaluated: 2021-06-06. Review status: criteria provided, single submitter. Criteria: Invitae Variant Classification Sherloc (09022015). Collection method: clinical testing. Allele origin: germline.
Comment: This sequence change replaces aspartic acid with asparagine at codon 165 of the RD3 protein (p.Asp165Asn). The aspartic acid residue is highly conserved and there is a small physicochemical difference between aspartic acid and asparagine. This variant is not present in population databases (ExAC no frequency). This variant has not been reported in the literature in individuals with RD3-related conditions. ClinVar contains an entry for this variant (Variation ID: 295255). Algorithms developed to predict the effect of missense changes on protein structure and function are either unavailable or do not agree on the potential impact of this missense change (SIFT: "Deleterious"; PolyPhen-2: "Benign"; Align-GVGD: "Class C15"). In summary, the available evidence is currently insufficient to determine the role of this variant in disease. Therefore, it has been classified as a Variant of Uncertain Significance.

Illumina Laboratory Services, Illumina
Classification: Uncertain significance for Leber congenital amaurosis 12. Last evaluated: 2018-01-12. Review status: criteria provided, single submitter. Criteria: ICSL Variant Classification Criteria 13 December 2019. Collection method: clinical testing. Allele origin: germline.

NM_001164688.2(RD3):c.493G>A (p.Asp165Asn)

Gene: RD3 (RD3 regulator of GUCY2D; minus strand). Cytogenetic location: 1q32.3.
Variant type: single nucleotide variant.
Coding change: c.493G>A on transcript NM_001164688.2 (MANE Select); coding-DNA position 493, G replaced by A.
Protein change: p.Asp165Asn; replaces aspartic acid 165 with asparagine.
Molecular consequence: missense variant.
Genome position (GRCh38, 1-based): chr1:211,479,131, C>T on the plus strand (G>A on the coding strand, the complement: RD3 is on the minus strand). VCF-style: chr1-211479131-C-T. GRCh37 (hg19) VCF-style: chr1-211652473-C-T.
Other names: c.493G>A, p.Asp165Asn (NM_183059.3); short protein forms D165N.
Identifiers: ClinVar variation 295255 (VCV000295255.14), dbSNP rs746738197, ClinGen allele CA10609721.